The following is an entry in ClinVar:

NM_000812.4(GABRB1):c.1109G>A (p.Ser370Asn)

Gene: GABRB1 (gamma-aminobutyric acid type A receptor subunit beta1; plus strand). Cytogenetic location: 4p12.
Variant type: single nucleotide variant.
Coding change: c.1109G>A on transcript NM_000812.4 (MANE Select); coding-DNA position 1109, G replaced by A.
Protein change: p.Ser370Asn; replaces serine 370 with asparagine.
Molecular consequence: missense variant.
Genome position (GRCh38, 1-based): chr4:47,425,702, G>A. VCF-style: chr4-47425702-G-A. GRCh37 (hg19) VCF-style: chr4-47427719-G-A.
Other names: short protein forms S370N.
Identifiers: ClinVar variation 4761267 (VCV004761267.1).

ClinVar aggregate classification (germline): Uncertain significance (1 of 4 stars; one submission).

gnomAD v4.1: 7 of 1,612,746 alleles (0.00043%); highest among the groups gnomAD compares: South Asian, 0.0066%; no homozygotes.

Submission:

Labcorp Genetics (formerly Invitae), Labcorp
Classification: Uncertain significance. Last evaluated: 2026-01-05. Review status: criteria provided, single submitter. Criteria: Invitae Variant Classification Sherloc (09022015). Collection method: clinical testing. Allele origin: germline.
Comment: This sequence change replaces serine, which is neutral and polar, with asparagine, which is neutral and polar, at codon 370 of the GABRB1 protein (p.Ser370Asn). This variant is present in population databases (rs750124014, gnomAD 0.01%). This variant has not been reported in the literature in individuals affected with GABRB1-related conditions. Invitae Evidence Modeling of protein sequence and biophysical properties (such as structural, functional, and spatial information, amino acid conservation, physicochemical variation, residue mobility, and thermodynamic stability) indicates that this missense variant is not expected to disrupt GABRB1 protein function with a negative predictive value of 80%. In summary, the available evidence is currently insufficient to determine the role of this variant in disease. Therefore, it has been classified as a Variant of Uncertain Significance.